The following is an entry in ClinVar:

ClinVar aggregate classification (germline): Uncertain significance (1 of 4 stars; one submission).

Submission:

Mayo Clinic Laboratories, Mayo Clinic
Classification: Uncertain significance. Last evaluated: 2025-03-18. Review status: criteria provided, single submitter. Criteria: ACMG Guidelines, 2015. Collection method: clinical testing. Allele origin: germline. Observed: 1 variant allele.
Comment: BP4, PM2_supporting

NM_000508.5(FGA):c.1975T>G (p.Phe659Val)

Gene: FGA (fibrinogen alpha chain; minus strand). Cytogenetic location: 4q31.3.
Variant type: single nucleotide variant.
Coding change: c.1975T>G on transcript NM_000508.5; coding-DNA position 1975, T replaced by G.
Protein change: p.Phe659Val; replaces phenylalanine 659 with valine.
Molecular consequence: missense variant.
Genome position (GRCh38, 1-based): chr4:154,584,750, A>C on the plus strand (T>G on the coding strand, the complement: FGA is on the minus strand). VCF-style: chr4-154584750-A-C. GRCh37 (hg19) VCF-style: chr4-155505902-A-C.
Other names: p.Phe659Val; short protein forms F659V.
Identifiers: ClinVar variation 4541009 (VCV004541009.1).